The following is an entry in ClinVar:

NM_199242.3(UNC13D):c.98C>T (p.Pro33Leu)

Gene: UNC13D (unc-13 homolog D; minus strand). Cytogenetic location: 17q25.1.
Variant type: single nucleotide variant.
Coding change: c.98C>T on transcript NM_199242.3 (MANE Select); coding-DNA position 98, C replaced by T.
Protein change: p.Pro33Leu; replaces proline 33 with leucine.
Molecular consequence: missense variant.
Genome position (GRCh38, 1-based): chr17:75,844,240, G>A on the plus strand (C>T on the coding strand, the complement: UNC13D is on the minus strand). VCF-style: chr17-75844240-G-A. GRCh37 (hg19) VCF-style: chr17-73840321-G-A.
Other names: short protein forms P33L.
Identifiers: ClinVar variation 1063832 (VCV001063832.8), dbSNP rs140437526, ClinGen allele CA8773679.

ClinVar aggregate classification (germline): Conflicting classifications of pathogenicity. Review status: criteria provided, conflicting classifications (1 of 4 stars). 3 submissions from 3 submitters: Uncertain significance (2); Likely benign (1). Last evaluated 2025-08-10.

Conditions:
Inborn genetic diseases. Identifiers: MedGen C0950123, MeSH D030342.
Familial hemophagocytic lymphohistiocytosis 3 (FHL3). Also called: UNC13D-Related Familial Hemophagocytic Lymphohistiocytosis (UNC13D-fHLH). Identifiers: Orphanet 540, MedGen C1837174, MONDO:0012146, OMIM 608898.

Allele frequency attached by ClinVar (database versions not stated): gnomAD 0.00001; 1000 Genomes Project 30x 0.00031; 1000 Genomes Project 0.00040.
gnomAD v4.1: 43 of 1,612,108 alleles (0.0027%); highest among the groups gnomAD compares: Middle Eastern, 0.033%; no homozygotes.

Submissions (3):

Ambry Genetics
Classification: Likely benign for Inborn genetic diseases. Last evaluated: 2025-08-10. Review status: criteria provided, single submitter. Criteria: Ambry Variant Classification Scheme 2023. Collection method: clinical testing. Allele origin: germline.

Labcorp Genetics (formerly Invitae), Labcorp
Classification: Uncertain significance for Familial hemophagocytic lymphohistiocytosis 3. Last evaluated: 2022-08-19. Review status: criteria provided, single submitter. Criteria: Invitae Variant Classification Sherloc (09022015). Collection method: clinical testing. Allele origin: germline.
Comment: This sequence change replaces proline, which is neutral and non-polar, with leucine, which is neutral and non-polar, at codon 33 of the UNC13D protein (p.Pro33Leu). This variant is present in population databases (rs140437526, gnomAD 0.01%). This variant has not been reported in the literature in individuals affected with UNC13D-related conditions. ClinVar contains an entry for this variant (Variation ID: 1063832). Algorithms developed to predict the effect of missense changes on protein structure and function output the following: SIFT: "Not Available"; PolyPhen-2: "Benign"; Align-GVGD: "Not Available". The leucine amino acid residue is found in multiple mammalian species, which suggests that this missense change does not adversely affect protein function. In summary, the available evidence is currently insufficient to determine the role of this variant in disease. Therefore, it has been classified as a Variant of Uncertain Significance.

GeneDx
Classification: Uncertain significance. Last evaluated: 2019-10-30. Review status: criteria provided, single submitter. Criteria: GeneDx Variant Classification Process June 2021. Collection method: clinical testing. Allele origin: germline. Affected: yes.
Comment: Not observed at a significant frequency in large population cohorts (Lek et al., 2016); In silico analysis, which includes protein predictors and evolutionary conservation, supports that this variant does not alter protein structure/function; Has not been previously published as pathogenic or benign to our knowledge